The following is an entry in ClinVar:

NM_014339.7(IL17RA):c.943+3A>T

Gene: IL17RA (interleukin 17 receptor A; plus strand). Cytogenetic location: 22q11.1.
Variant type: single nucleotide variant.
Coding change: c.943+3A>T on transcript NM_014339.7 (MANE Select); 3 bases into the intron after coding-DNA position 943, A replaced by T.
Molecular consequence: intron variant.
Genome position (GRCh38, 1-based): chr22:17,105,605, A>T. VCF-style: chr22-17105605-A-T. GRCh37 (hg19) VCF-style: chr22-17586495-A-T.
Other names: c.943+3A>T (NM_001289905.2).
Identifiers: ClinVar variation 959099 (VCV000959099.6), dbSNP rs377254160, ClinGen allele CA10086571.

ClinVar aggregate classification (germline): Uncertain significance (1 of 4 stars; one submission).

Conditions:
Immunodeficiency 51 (IMD51). Also called: CANDIDIASIS, FAMILIAL, 5. Identifiers: Orphanet 1334, MedGen C4310803, MONDO:0013500, OMIM 613953.

Allele frequency attached by ClinVar (database versions not stated): ExAC 0.00001; gnomAD 0.00001; TOPMed 0.00001; gnomAD exomes 0.00003; ESP Exome Variant Server 0.00008.
gnomAD v4.1: 49 of 1,613,204 alleles (0.003%); highest among the groups gnomAD compares: Non-Finnish European, 0.0042%; no homozygotes.

Submissions (2):

Labcorp Genetics (formerly Invitae), Labcorp
Classification: Uncertain significance for Immunodeficiency 51. Last evaluated: 2019-08-20. Review status: criteria provided, single submitter. Criteria: Invitae Variant Classification Sherloc (09022015). Collection method: clinical testing. Allele origin: germline.
Comment: This sequence change falls in intron 10 of the IL17RA gene. It does not directly change the encoded amino acid sequence of the IL17RA protein, but it affects a nucleotide within the consensus splice site of the intron. This variant is present in population databases (rs377254160, ExAC 0.001%). This variant has not been reported in the literature in individuals with IL17RA-related conditions. Nucleotide substitutions within the consensus splice site are a relatively common cause of aberrant splicing (PMID: 17576681, 9536098). Algorithms developed to predict the effect of sequence changes on RNA splicing suggest that this variant may disrupt the consensus splice site, but this prediction has not been confirmed by published transcriptional studies. In summary, the available evidence is currently insufficient to determine the role of this variant in disease. Therefore, it has been classified as a Variant of Uncertain Significance.

Dr. Peter K. Rogan Lab, Western University
No classification provided (evidence only). Condition: Ovarian serous cystadenocarcinoma. Review status: no classification provided. Collection method: in vitro. Allele origin: not applicable. Functional consequence: retained intron. Not counted in ClinVar's aggregate classification.

Literature cited by the submitters: PubMed 17576681 (cited by Labcorp Genetics (formerly Invitae), Labcorp); PubMed 9536098 (cited by Labcorp Genetics (formerly Invitae), Labcorp).